The following is an entry in ClinVar:

ClinVar aggregate classification (germline): Conflicting classifications of pathogenicity. Review status: criteria provided, conflicting classifications (1 of 4 stars). 3 submissions from 3 submitters: Uncertain significance (1); Likely benign (1). 1 of the submissions does not count toward it. Last evaluated 2026-08-01.

Conditions:
Optic atrophy. Identifiers: MedGen C0029124, MONDO:0003608, HP:0000648.
Joubert syndrome 21 (JBTS21). Identifiers: MedGen C3810212, MONDO:0014288, OMIM 615636.

Allele frequency attached by ClinVar (database versions not stated): TOPMed 0.00002; gnomAD 0.00003 and 0.00004; gnomAD exomes 0.00005 and 0.00015; ExAC 0.00014; 1000 Genomes Project 30x 0.00031; 1000 Genomes Project 0.00040.
gnomAD v4.1: 90 of 1,587,280 alleles (0.0057%); highest among the groups gnomAD compares: Middle Eastern, 0.017%; 1 homozygote.

Submissions (3):

CeGaT Center for Human Genetics Tuebingen
Classification: Likely benign. Last evaluated: 2026-08-01. Review status: criteria provided, single submitter. Criteria: CeGaT Center For Human Genetics Tuebingen Variant Classification Criteria Version 2. Collection method: clinical testing. Allele origin: germline. Affected: yes. Observed: 2 variant alleles.
Comment: CSPP1: BP4

Labcorp Genetics (formerly Invitae), Labcorp
Classification: Uncertain significance for Joubert syndrome 21. Last evaluated: 2022-05-03. Review status: criteria provided, single submitter. Criteria: Invitae Variant Classification Sherloc (09022015). Collection method: clinical testing. Allele origin: germline.
Comment: This sequence change replaces methionine, which is neutral and non-polar, with valine, which is neutral and non-polar, at codon 66 of the CSPP1 protein (p.Met66Val). This variant is present in population databases (rs199831541, gnomAD 0.09%). This variant has not been reported in the literature in individuals affected with CSPP1-related conditions. Algorithms developed to predict the effect of missense changes on protein structure and function are either unavailable or do not agree on the potential impact of this missense change (SIFT: "Deleterious"; PolyPhen-2: "Benign"; Align-GVGD: "Class C0"). In summary, the available evidence is currently insufficient to determine the role of this variant in disease. Therefore, it has been classified as a Variant of Uncertain Significance.

Institute of Human Genetics, Univ. Regensburg, Univ. Regensburg
Classification: Uncertain significance for Optic atrophy. Last evaluated: 2022-01-01. Review status: no assertion criteria provided. Criteria: ACMG Guidelines, 2015. Collection method: clinical testing. Allele origin: germline. Affected: yes. Not counted in ClinVar's aggregate classification.

NM_001382391.1(CSPP1):c.88A>G (p.Met30Val)

Gene: CSPP1 (centrosome and spindle pole associated protein 1; plus strand). Cytogenetic location: 8q13.1.
Variant type: single nucleotide variant.
Coding change: c.88A>G on transcript NM_001382391.1 (MANE Select); coding-DNA position 88, A replaced by G.
Protein change: p.Met30Val; replaces methionine 30 with valine.
Molecular consequence: missense variant.
Genome position (GRCh38, 1-based): chr8:67,074,340, A>G. VCF-style: chr8-67074340-A-G. GRCh37 (hg19) VCF-style: chr8-67986575-A-G.
Other names: c.88A>G, p.Met30Val (NM_001363131.2, NM_001363132.2, NM_001363133.2); c.196A>G, p.Met66Val (NM_001364869.1, NM_001364870.1, NM_024790.7); short protein forms M30V, M66V.
Identifiers: ClinVar variation 1497655 (VCV001497655.29), dbSNP rs199831541, ClinGen allele CA4770114.